The following is an entry in ClinVar:

NM_017954.11(CADPS2):c.1594C>T (p.Pro532Ser)

Gene: CADPS2 (calcium dependent secretion activator 2; minus strand). Cytogenetic location: 7q31.32.
Variant type: single nucleotide variant.
Coding change: c.1594C>T on transcript NM_017954.11 (MANE Select); coding-DNA position 1594, C replaced by T.
Protein change: p.Pro532Ser; replaces proline 532 with serine.
Molecular consequence: missense variant.
Genome position (GRCh38, 1-based): chr7:122,491,369, G>A on the plus strand (C>T on the coding strand, the complement: CADPS2 is on the minus strand). VCF-style: chr7-122491369-G-A. GRCh37 (hg19) VCF-style: chr7-122131423-G-A.
Other names: c.1594C>T, p.Pro532Ser (NM_001009571.4, NM_001167940.2, NM_001363389.2 and 9 more transcripts); c.1111C>T, p.Pro371Ser (NM_001363399.2, NM_001363400.2); c.1594C>T (NM_001167940.1); short protein forms P371S, P532S.
Identifiers: ClinVar variation 3349135 (VCV003349135.2).

ClinVar aggregate classification (germline): Uncertain significance. Review status: criteria provided, single submitter (1 of 4 stars). 2 submissions from 2 submitters: Uncertain significance (1). 1 of the submissions does not count toward it. Last evaluated 2025-10-14.

Conditions:
CADPS2-related disorder. Also called: CADPS2-related condition.

gnomAD v4.1: 1 of 1,611,678 alleles (0.000062%); highest among the groups gnomAD compares: Admixed American, 0.0017%; no homozygotes.

Submissions (2):

Ambry Genetics
Classification: Uncertain significance. Last evaluated: 2025-10-14. Review status: criteria provided, single submitter. Criteria: Ambry Variant Classification Scheme 2023. Collection method: clinical testing. Allele origin: germline.

PreventionGenetics, part of Exact Sciences
Classification: Uncertain significance for CADPS2-related condition. Last evaluated: 2024-04-16. Review status: no assertion criteria provided. Collection method: clinical testing. Allele origin: germline. Not counted in ClinVar's aggregate classification.
Comment: The CADPS2 c.1594C>T variant is predicted to result in the amino acid substitution p.Pro532Ser. To our knowledge, this variant has not been reported in the literature. This variant is reported in 0.0029% of alleles in individuals of Latino descent in gnomAD. At this time, the clinical significance of this variant is uncertain due to the absence of conclusive functional and genetic evidence.